The following is an entry in ClinVar:

NM_015102.5(NPHP4):c.2834G>A (p.Arg945His)

Gene: NPHP4 (nephrocystin 4; minus strand). Cytogenetic location: 1p36.31.
Variant type: single nucleotide variant.
Coding change: c.2834G>A on transcript NM_015102.5 (MANE Select); coding-DNA position 2834, G replaced by A.
Protein change: p.Arg945His; replaces arginine 945 with histidine.
Molecular consequence: missense variant. On other transcripts: non-coding transcript variant (1).
Genome position (GRCh38, 1-based): chr1:5,875,084, C>T on the plus strand (G>A on the coding strand, the complement: NPHP4 is on the minus strand). VCF-style: chr1-5875084-C-T. GRCh37 (hg19) VCF-style: chr1-5935144-C-T.
Other names: c.1295G>A, p.Arg432His (NM_001291593.2); c.1298G>A, p.Arg433His (NM_001291594.2); short protein forms R433H, R945H, R432H.
Identifiers: ClinVar variation 1355008 (VCV001355008.9), dbSNP rs201531378, ClinGen allele CA553903.

ClinVar aggregate classification (germline): Uncertain significance. Review status: criteria provided, multiple submitters, no conflicts (2 of 4 stars). 2 submissions from 2 submitters: Uncertain significance (2). Last evaluated 2025-11-10.

Conditions:
Nephronophthisis. Also called: Juvenile Nephronophthisis. Identifiers: Orphanet 655, MedGen C0687120, MONDO:0019005, HP:0000090.
Senior-Loken syndrome 4 (SLSN4). Identifiers: Orphanet 3156, MedGen C1846979, MONDO:0011756, OMIM 606996.
Nephronophthisis 4 (NPHP4). Also called: NEPHRONOPHTHISIS 4, JUVENILE. Identifiers: Orphanet 655, MedGen C1847013, MONDO:0011752, OMIM 606966.

Allele frequency attached by ClinVar (database versions not stated): ExAC 0.00006; gnomAD exomes 0.00007; TOPMed 0.00011; gnomAD 0.00014 and 0.00016; ESP Exome Variant Server 0.00023.
gnomAD v4.1: 195 of 1,604,276 alleles (0.012%); highest among the groups gnomAD compares: Non-Finnish European, 0.015%; no homozygotes.

Submissions (2):

Labcorp Genetics (formerly Invitae), Labcorp
Classification: Uncertain significance for Nephronophthisis. Last evaluated: 2025-11-10. Review status: criteria provided, single submitter. Criteria: Invitae Variant Classification Sherloc (09022015). Collection method: clinical testing. Allele origin: germline.
Comment: This sequence change replaces arginine, which is basic and polar, with histidine, which is basic and polar, at codon 945 of the NPHP4 protein (p.Arg945His). This variant is present in population databases (rs201531378, gnomAD 0.01%). This variant has not been reported in the literature in individuals affected with NPHP4-related conditions. ClinVar contains an entry for this variant (Variation ID: 1355008). Invitae Evidence Modeling of protein sequence and biophysical properties (such as structural, functional, and spatial information, amino acid conservation, physicochemical variation, residue mobility, and thermodynamic stability) indicates that this missense variant is not expected to disrupt NPHP4 protein function with a negative predictive value of 80%. In summary, the available evidence is currently insufficient to determine the role of this variant in disease. Therefore, it has been classified as a Variant of Uncertain Significance.

Fulgent Genetics
Classification: Uncertain significance for Nephronophthisis 4; Senior-Loken syndrome 4. Last evaluated: 2024-03-25. Review status: criteria provided, single submitter. Criteria: ACMG Guidelines, 2015. Collection method: clinical testing. Allele origin: germline.